The following is an entry in ClinVar:

ClinVar aggregate classification (germline): Uncertain significance (1 of 4 stars; one submission).

Conditions:
Chédiak-Higashi syndrome (CHS). Also called: Chediak-Higashi Syndrome. Identifiers: Orphanet 167, MedGen C0007965, MONDO:0008963, OMIM 214500.

Allele frequency attached by ClinVar (database versions not stated): gnomAD exomes below 0.00001.
gnomAD v4.1: 4 of 1,614,050 alleles (0.00025%); highest among the groups gnomAD compares: East Asian, 0.0022%; no homozygotes.

Submission:

Labcorp Genetics (formerly Invitae), Labcorp
Classification: Uncertain significance for Chédiak-Higashi syndrome. Last evaluated: 2022-11-08. Review status: criteria provided, single submitter. Criteria: Invitae Variant Classification Sherloc (09022015). Collection method: clinical testing. Allele origin: germline.
Comment: In summary, the available evidence is currently insufficient to determine the role of this variant in disease. Therefore, it has been classified as a Variant of Uncertain Significance. This sequence change replaces glycine, which is neutral and non-polar, with glutamic acid, which is acidic and polar, at codon 1416 of the LYST protein (p.Gly1416Glu). This variant is present in population databases (no rsID available, gnomAD 0.01%). This variant has not been reported in the literature in individuals affected with LYST-related conditions. Advanced modeling of protein sequence and biophysical properties (such as structural, functional, and spatial information, amino acid conservation, physicochemical variation, residue mobility, and thermodynamic stability) performed at Invitae indicates that this missense variant is not expected to disrupt LYST protein function.

NM_000081.4(LYST):c.4247G>A (p.Gly1416Glu)

Gene: LYST (lysosomal trafficking regulator; minus strand). Cytogenetic location: 1q42.3.
Variant type: single nucleotide variant.
Coding change: c.4247G>A on transcript NM_000081.4 (MANE Select); coding-DNA position 4247, G replaced by A.
Protein change: p.Gly1416Glu; replaces glycine 1416 with glutamic acid.
Molecular consequence: missense variant.
Genome position (GRCh38, 1-based): chr1:235,791,995, C>T on the plus strand (G>A on the coding strand, the complement: LYST is on the minus strand). VCF-style: chr1-235791995-C-T. GRCh37 (hg19) VCF-style: chr1-235955295-C-T.
Other names: c.4247G>A, p.Gly1416Glu (NM_001301365.1); short protein forms G1416E.
Identifiers: ClinVar variation 2079594 (VCV002079594.3), dbSNP rs1322632188, ClinGen allele CA344960195.